The following is an entry in ClinVar:

NM_015512.5(DNAH1):c.10628G>A (p.Ser3543Asn)

Gene: DNAH1 (dynein axonemal heavy chain 1; plus strand). Cytogenetic location: 3p21.1.
Variant type: single nucleotide variant.
Coding change: c.10628G>A on transcript NM_015512.5 (MANE Select); coding-DNA position 10628, G replaced by A.
Protein change: p.Ser3543Asn; replaces serine 3543 with asparagine.
Molecular consequence: missense variant.
Genome position (GRCh38, 1-based): chr3:52,394,466, G>A. VCF-style: chr3-52394466-G-A. GRCh37 (hg19) VCF-style: chr3-52428482-G-A.
Other names: short protein forms S3543N.
Identifiers: ClinVar variation 3753243 (VCV003753243.2).

ClinVar aggregate classification (germline): Uncertain significance (1 of 4 stars; one submission).

Conditions:
Spermatogenic failure 18. Identifiers: MedGen C4539783, MONDO:0054615, OMIM 617576.
Ciliary dyskinesia, primary, 37 (CILD37). Also called: CILIARY DYSKINESIA, PRIMARY, 37, WITH OR WITHOUT SITUS INVERSUS. Identifiers: MedGen C4539798, MONDO:0033204, OMIM 617577.

gnomAD v4.1: 1 of 1,613,958 alleles (0.000062%); highest among the groups gnomAD compares: African/African-American, 0.0013%; no homozygotes.

Submission:

Labcorp Genetics (formerly Invitae), Labcorp
Classification: Uncertain significance for Ciliary dyskinesia, primary, 37; Spermatogenic failure 18. Last evaluated: 2024-05-14. Review status: criteria provided, single submitter. Criteria: Invitae Variant Classification Sherloc (09022015). Collection method: clinical testing. Allele origin: germline.
Comment: This sequence change replaces serine, which is neutral and polar, with asparagine, which is neutral and polar, at codon 3543 of the DNAH1 protein (p.Ser3543Asn). This variant is not present in population databases (gnomAD no frequency). This variant has not been reported in the literature in individuals affected with DNAH1-related conditions. Algorithms developed to predict the effect of missense changes on protein structure and function output the following: SIFT: "Not Available"; PolyPhen-2: "Benign"; Align-GVGD: "Not Available". The asparagine amino acid residue is found in multiple mammalian species, which suggests that this missense change does not adversely affect protein function. In summary, the available evidence is currently insufficient to determine the role of this variant in disease. Therefore, it has been classified as a Variant of Uncertain Significance.